The following is an entry in ClinVar:

NM_058164.4(OLFM2):c.317G>A (p.Arg106Gln)

Gene: OLFM2 (olfactomedin 2; minus strand). Cytogenetic location: 19p13.2.
Variant type: single nucleotide variant.
Coding change: c.317G>A on transcript NM_058164.4 (MANE Select); coding-DNA position 317, G replaced by A.
Protein change: p.Arg106Gln; replaces arginine 106 with glutamine.
Molecular consequence: missense variant.
Genome position (GRCh38, 1-based): chr19:9,857,758, C>T on the plus strand (G>A on the coding strand, the complement: OLFM2 is on the minus strand). VCF-style: chr19-9857758-C-T. GRCh37 (hg19) VCF-style: chr19-9968434-C-T.
Other names: c.389G>A, p.Arg130Gln (NM_001304347.2); c.83G>A, p.Arg28Gln (NM_001304348.2); short protein forms R106Q, R130Q, R28Q.
Identifiers: ClinVar variation 1297260 (VCV001297260.3), dbSNP rs2303100, ClinGen allele CA9181427.

ClinVar aggregate classification (germline): Benign. Review status: criteria provided, multiple submitters, no conflicts (2 of 4 stars). 2 submissions from 2 submitters: Benign (2). Last evaluated 2018-11-12.

Allele frequency attached by ClinVar (database versions not stated): 1000 Genomes Project 30x 0.30996; 1000 Genomes Project 0.31050; TOPMed 0.39668; gnomAD 0.40597 and 0.40672; ESP Exome Variant Server 0.40612; ExAC 0.45928; gnomAD exomes 0.47462.

Submissions (2):

GeneDx
Classification: Benign. Last evaluated: 2018-11-12. Review status: criteria provided, single submitter. Criteria: GeneDx Variant Classification Process June 2021. Collection method: clinical testing. Allele origin: germline. Affected: yes.
Comment: This variant is associated with the following publications: (PMID: 17122126)

Breakthrough Genomics
Classification: Benign. Review status: criteria provided, single submitter. Criteria: ACMG Guidelines, 2015. Collection method: not provided. Allele origin: germline. Inheritance: Unknown mechanism. Affected: yes.